The following is an entry in ClinVar:

ClinVar aggregate classification (germline): Uncertain significance. Review status: criteria provided, multiple submitters, no conflicts (2 of 4 stars). 4 submissions from 4 submitters: Uncertain significance (3). 1 of the submissions does not count toward it. Last evaluated 2025-01-15.

Conditions:
PMM2-congenital disorder of glycosylation. Also called: CDG Ia; JAEKEN SYNDROME; PHOSPHOMANNOMUTASE 2 DEFICIENCY; PMM2-CDG; CARBOHYDRATE-DEFICIENT GLYCOPROTEIN SYNDROME, TYPE Ia; Congenital disorder of glycosylation, type Ia. Identifiers: Orphanet 79318, MedGen C0349653, MONDO:0008907, OMIM 212065.

Allele frequency attached by ClinVar (database versions not stated): ExAC 0.00011; gnomAD exomes 0.00012; 1000 Genomes Project 0.00040; 1000 Genomes Project 30x 0.00047.
gnomAD v4.1: 38 of 1,611,088 alleles (0.0024%); highest among the groups gnomAD compares: Admixed American, 0.062%; no homozygotes.

Submissions (4):

Labcorp Genetics (formerly Invitae), Labcorp
Classification: Uncertain significance for PMM2-congenital disorder of glycosylation. Last evaluated: 2025-01-15. Review status: criteria provided, single submitter. Criteria: Invitae Variant Classification Sherloc (09022015). Collection method: clinical testing. Allele origin: germline.
Comment: This sequence change replaces glutamic acid, which is acidic and polar, with valine, which is neutral and non-polar, at codon 50 of the PMM2 protein (p.Glu50Val). This variant is present in population databases (rs182336960, gnomAD 0.09%). This variant has not been reported in the literature in individuals affected with PMM2-related conditions. ClinVar contains an entry for this variant (Variation ID: 1219633). Invitae Evidence Modeling of protein sequence and biophysical properties (such as structural, functional, and spatial information, amino acid conservation, physicochemical variation, residue mobility, and thermodynamic stability) indicates that this missense variant is expected to disrupt PMM2 protein function with a positive predictive value of 95%. In summary, the available evidence is currently insufficient to determine the role of this variant in disease. Therefore, it has been classified as a Variant of Uncertain Significance.

GeneDx
Classification: Uncertain significance. Last evaluated: 2024-06-10. Review status: criteria provided, single submitter. Criteria: GeneDx Variant Classification Process June 2021. Collection method: clinical testing. Allele origin: germline. Affected: yes.
Comment: In silico analysis indicates that this missense variant does not alter protein structure/function; Has not been previously published as pathogenic or benign to our knowledge

Fulgent Genetics
Classification: Uncertain significance for PMM2-congenital disorder of glycosylation. Last evaluated: 2024-01-23. Review status: criteria provided, single submitter. Criteria: ACMG Guidelines, 2015. Collection method: clinical testing. Allele origin: germline.

Natera, Inc.
Classification: Uncertain significance for Congenital disorder of glycosylation type 1a. Last evaluated: 2020-02-17. Review status: no assertion criteria provided. Collection method: clinical testing. Allele origin: germline. Not counted in ClinVar's aggregate classification.

NM_000303.3(PMM2):c.149A>T (p.Glu50Val)

Gene: PMM2 (phosphomannomutase 2; plus strand). Cytogenetic location: 16p13.2.
Variant type: single nucleotide variant.
Coding change: c.149A>T on transcript NM_000303.3 (MANE Select); coding-DNA position 149, A replaced by T.
Protein change: p.Glu50Val; replaces glutamic acid 50 with valine.
Molecular consequence: missense variant.
Genome position (GRCh38, 1-based): chr16:8,801,881, A>T. VCF-style: chr16-8801881-A-T. GRCh37 (hg19) VCF-style: chr16-8895738-A-T.
Other names: short protein forms E50V.
Identifiers: ClinVar variation 1219633 (VCV001219633.9), dbSNP rs182336960, ClinGen allele CA7893908.